The following is an entry in ClinVar:

NM_001232.3(CASQ2):c.-581T>G

Gene: CASQ2 (calsequestrin 2; minus strand). Cytogenetic location: 1p13.1.
Variant type: single nucleotide variant.
Coding change: c.-581T>G on transcript NM_001232.3; 581 bases upstream of the start codon, T replaced by G.
Genome position (GRCh38, 1-based): chr1:115,769,122, A>C on the plus strand (T>G on the coding strand, the complement: CASQ2 is on the minus strand). VCF-style: chr1-115769122-A-C. GRCh37 (hg19) VCF-style: chr1-116311743-A-C.
Identifiers: ClinVar variation 669813 (VCV000669813.3), dbSNP rs79216466, ClinGen allele CA10883888.

ClinVar aggregate classification (germline): Benign (1 of 4 stars; one submission).

Allele frequency attached by ClinVar (database versions not stated): 1000 Genomes Project 0.05911; TOPMed 0.05562; 1000 Genomes Project 30x 0.06309.

Submission:

GeneDx
Classification: Benign. Last evaluated: 2018-06-16. Review status: criteria provided, single submitter. Criteria: GeneDx Variant Classification (06012015). Collection method: clinical testing. Allele origin: germline. Affected: yes.
Comment: This variant is considered likely benign or benign based on one or more of the following criteria: it is a conservative change, it occurs at a poorly conserved position in the protein, it is predicted to be benign by multiple in silico algorithms, and/or has population frequency not consistent with disease.